The following is an entry in ClinVar:

NM_001374736.1(DST):c.21943C>T (p.Pro7315Ser)

Gene: DST (dystonin; minus strand). Cytogenetic location: 6p12.1.
Variant type: single nucleotide variant.
Coding change: c.21943C>T on transcript NM_001374736.1 (MANE Select); coding-DNA position 21943, C replaced by T.
Protein change: p.Pro7315Ser; replaces proline 7315 with serine.
Molecular consequence: missense variant.
Genome position (GRCh38, 1-based): chr6:56,473,924, G>A on the plus strand (C>T on the coding strand, the complement: DST is on the minus strand). VCF-style: chr6-56473924-G-A. GRCh37 (hg19) VCF-style: chr6-56338722-G-A.
Other names: c.15586C>T, p.Pro5196Ser (NM_001144769.5); c.15172C>T, p.Pro5058Ser (NM_001144770.2); c.21943C>T, p.Pro7315Ser (NM_001374722.1); c.20983C>T, p.Pro6995Ser (NM_001374729.1); c.14725C>T, p.Pro4909Ser (NM_001374730.1); c.21970C>T, p.Pro7324Ser (NM_001374734.1); c.15052C>T, p.Pro5018Ser (NM_001386100.1, NM_183380.4); c.14074C>T, p.Pro4692Ser (NM_015548.5); short protein forms P5018S, P4909S, P6995S, P5058S, P5196S, P4692S, P7315S, P7324S.
Identifiers: ClinVar variation 1395112 (VCV001395112.8), dbSNP rs1470930996, ClinGen allele CA364509599.
Genomic context (GRCh38, chr6:56,473,924, plus strand): 5'-ACTGCTTACTTCCTGCTCGTCCCTTATCCAAGACTGGAATATGGGATTGTAATGAGGAAG[G>A]ATCAGCAGCTCTCCTCTTATAGGTCTTCGTTACTTTATCAACATCAGGCTGTTTTCTGGT-3'
Protein context (NP_001361665.1, residues 7305-7325): TKTYKRRAAD[Pro7315Ser]SSLQSHIPVL

ClinVar aggregate classification (germline): Uncertain significance (1 of 4 stars; one submission).

Conditions:
Epidermolysis bullosa simplex 3, localized or generalized intermediate, with BP230 deficiency (EBS3). Also called: Epidermolysis bullosa simplex, autosomal recessive 2; Epidermolysis bullosa simplex due to BP230 deficiency. Identifiers: Orphanet 412181, MedGen C3809470, MONDO:0014180, OMIM 615425.
Hereditary sensory and autonomic neuropathy type 6. Also called: HSAN VI; Neuropathy, hereditary sensory and autonomic, type VI. Identifiers: Orphanet 314381, MedGen C3539003, MONDO:0013839, OMIM 614653.

Allele frequency attached by ClinVar (database versions not stated): gnomAD exomes below 0.00001; gnomAD 0.00001; TOPMed 0.00001.
gnomAD v4.1: 3 of 1,594,150 alleles (0.00019%); highest among the groups gnomAD compares: African/African-American, 0.004%; no homozygotes.

Submission:

Labcorp Genetics (formerly Invitae), Labcorp
Classification: Uncertain significance for Epidermolysis bullosa simplex 3, localized or generalized intermediate, with BP230 deficiency; Hereditary sensory and autonomic neuropathy type 6. Last evaluated: 2022-07-12. Review status: criteria provided, single submitter. Criteria: Invitae Variant Classification Sherloc (09022015). Collection method: clinical testing. Allele origin: germline.
Comment: The DST gene has multiple clinically relevant transcripts. This variant occurs in alternate transcript NM_015548.4, and corresponds to NM_001723.5:c.*141593C>T in the primary transcript. This sequence change replaces proline, which is neutral and non-polar, with serine, which is neutral and polar, at codon 4692 of the DST protein (p.Pro4692Ser). The frequency data for this variant in the population databases is considered unreliable, as metrics indicate poor data quality at this position in the gnomAD database. This variant has not been reported in the literature in individuals affected with DST-related conditions. Experimental studies and prediction algorithms are not available or were not evaluated, and the functional significance of this variant is currently unknown. In summary, the available evidence is currently insufficient to determine the role of this variant in disease. Therefore, it has been classified as a Variant of Uncertain Significance.